The following is an entry in ClinVar:

NM_000180.4(GUCY2D):c.1214_1216delinsCAA (p.Leu405_Asp406delinsProAsn)

Gene: GUCY2D (guanylate cyclase 2D, retinal; plus strand). Cytogenetic location: 17p13.1.
Variant type: Indel.
Coding change: c.1214_1216delinsCAA on transcript NM_000180.4 (MANE Select); coding-DNA positions 1214 to 1216, TAG replaced by CAA.
Protein change: p.Leu405_Asp406delinsProAsn.
Molecular consequence: missense variant.
Genome position (GRCh38, 1-based): chr17:8,006,550-8,006,552, TAG replaced by CAA. VCF-style: chr17-8006550-TAG-CAA. GRCh37 (hg19) VCF-style: chr17-7909868-TAG-CAA.
Identifiers: ClinVar variation 3383186 (VCV003383186.2).
Genomic context (GRCh38, chr17:8,006,550, plus strand): 5'-CGCAGGTCCCTGGCTTCTGCGGGGACCTAGGAGGAGACGAGGAGCCCCCATTCGTGCTGC[TAG>CAA]ACACGGACGCGGCGGGAGACCGGCTTTTTGCCACATACATGCTGGATCCTGCCCGGGGCT-3'

ClinVar aggregate classification (germline): Uncertain significance (1 of 4 stars; one submission).

Conditions:
Choroidal dystrophy, central areolar, 1. Identifiers: Orphanet 75377, MedGen C4551884, MONDO:0024539, OMIM 215500.
Night blindness, congenital stationary, type1i. Also called: NIGHT BLINDNESS, CONGENITAL STATIONARY, TYPE 1I. Identifiers: MedGen C5231408, MONDO:0032811, OMIM 618555.
Leber congenital amaurosis 1 (LCA1). Also called: AMAUROSIS CONGENITA OF LEBER I; RETINAL BLINDNESS, CONGENITAL; Congenital absence of the rods and cones; Leber's congenital tapetoretinal degeneration; Leber's congenital tapetoretinal dysplasia. Identifiers: Orphanet 65, MedGen C2931258, MONDO:0008764, OMIM 204000.
Cone-rod dystrophy 6 (CORD6). Also called: RETINAL CONE DYSTROPHY 2; Cone dystrophy progressive. Identifiers: Orphanet 1872, MedGen C1866293, MONDO:0011143, OMIM 601777.

Submission:

Juno Genomics, Hangzhou Juno Genomics, Inc
Classification: Uncertain significance for Choroidal dystrophy, central areolar, 1; Cone-rod dystrophy 6; Leber congenital amaurosis 1; Night blindness, congenital stationary, type1i. Review status: criteria provided, single submitter. Criteria: ACMG Guidelines, 2015. Collection method: clinical testing. Allele origin: germline. Affected: yes.
Comment: Absent from controls (or at extremely low frequency if recessive) in Genome Aggregation Database, Exome Sequencing Project, 1000 Genomes Project, or Exome Aggregation Consortium.;For recessive disorders, detected in trans with a pathogenic variant.